The following is an entry in ClinVar:

ClinVar aggregate classification (germline): Uncertain significance. Review status: criteria provided, multiple submitters, no conflicts (2 of 4 stars). 2 submissions from 2 submitters: Uncertain significance (2). Last evaluated 2025-04-09.

Conditions:
Ataxia-telangiectasia syndrome (AT). Also called: LOUIS-BAR SYNDROME; Cerebello-oculocutaneous telangiectasia; Immunodeficiency with ataxia telangiectasia; Ataxia telangiectasia (A-T); Ataxia-telangiectasia, complementation group D; AT, COMPLEMENTATION GROUP C. Identifiers: Orphanet 100, MedGen C0004135, MONDO:0008840, OMIM 208900.
Hereditary cancer-predisposing syndrome. Also called: Tumor predisposition; Neoplastic Syndromes, Hereditary; Hereditary Cancer Syndrome; Hereditary neoplastic syndrome. Identifiers: Orphanet 140162, MedGen C0027672, MeSH D009386, MONDO:0015356.

Submissions (2):

Labcorp Genetics (formerly Invitae), Labcorp
Classification: Uncertain significance for Ataxia-telangiectasia syndrome. Last evaluated: 2025-04-09. Review status: criteria provided, single submitter. Criteria: Invitae Variant Classification Sherloc (09022015). Collection method: clinical testing. Allele origin: germline.
Comment: This sequence change replaces valine, which is neutral and non-polar, with glycine, which is neutral and non-polar, at codon 2617 of the ATM protein (p.Val2617Gly). This variant is not present in population databases (gnomAD no frequency). This variant has not been reported in the literature in individuals affected with ATM-related conditions. ClinVar contains an entry for this variant (Variation ID: 2756015). Invitae Evidence Modeling of protein sequence and biophysical properties (such as structural, functional, and spatial information, amino acid conservation, physicochemical variation, residue mobility, and thermodynamic stability) indicates that this missense variant is expected to disrupt ATM protein function with a positive predictive value of 80%. In summary, the available evidence is currently insufficient to determine the role of this variant in disease. Therefore, it has been classified as a Variant of Uncertain Significance.

Ambry Genetics
Classification: Uncertain significance for Hereditary cancer-predisposing syndrome. Last evaluated: 2023-01-19. Review status: criteria provided, single submitter. Criteria: Ambry Variant Classification Scheme 2023. Collection method: clinical testing. Allele origin: germline.
Comment: The p.V2617G variant (also known as c.7850T>G), located in coding exon 52 of the ATM gene, results from a T to G substitution at nucleotide position 7850. The valine at codon 2617 is replaced by glycine, an amino acid with dissimilar properties. This amino acid position is conserved. In addition, this alteration is predicted to be deleterious by in silico analysis. Since supporting evidence is limited at this time, the clinical significance of this alteration remains unclear.

NM_000051.4(ATM):c.7850T>G (p.Val2617Gly)

Genes: C11orf65 (chromosome 11 open reading frame 65; minus strand), ATM (ATM serine/threonine kinase; plus strand). Cytogenetic location: 11q22.3.
Variant type: single nucleotide variant.
Coding change: c.7850T>G on transcript NM_000051.4 (MANE Select); coding-DNA position 7850, T replaced by G.
Protein change: p.Val2617Gly; replaces valine 2617 with glycine.
Molecular consequence: missense variant. On other transcripts: intron variant (2).
Genome position (GRCh38, 1-based): chr11:108,332,823, T>G. VCF-style: chr11-108332823-T-G. GRCh37 (hg19) VCF-style: chr11-108203550-T-G.
Other names: c.7850T>G, p.Val2617Gly (NM_001351834.2); c.641-23752A>C (NM_001330368.2); c.*38+2397A>C (NM_001351110.2); short protein forms V2617G.
Identifiers: ClinVar variation 2756015 (VCV002756015.4), dbSNP rs2136566226, ClinGen allele CA382561369.